The following is an entry in ClinVar:

NM_016156.6(MTMR2):c.54G>A (p.Arg18=)

Gene: MTMR2 (myotubularin related protein 2; minus strand). Cytogenetic location: 11q21.
Variant type: single nucleotide variant.
Coding change: c.54G>A on transcript NM_016156.6 (MANE Select); coding-DNA position 54, G replaced by A.
Protein change: p.Arg18=; no amino-acid change (arginine 18 retained).
Molecular consequence: synonymous variant. On other transcripts: 5 prime UTR variant (3).
Genome position (GRCh38, 1-based): chr11:95,923,901, C>T on the plus strand (G>A on the coding strand, the complement: MTMR2 is on the minus strand). VCF-style: chr11-95923901-C-T. GRCh37 (hg19) VCF-style: chr11-95657065-C-T.
Other names: c.-430G>A (NM_001243571.2); c.-357G>A (NM_201278.3); c.-234G>A (NM_201281.3).
Identifiers: ClinVar variation 414072 (VCV000414072.12), dbSNP rs372164252, ClinGen allele CA6240490.

ClinVar aggregate classification (germline): Likely benign. Review status: criteria provided, multiple submitters, no conflicts (2 of 4 stars). 3 submissions from 3 submitters: Likely benign (3). Last evaluated 2026-02-17.

Conditions:
MTMR2-related disorder. Also called: MTMR2-related condition.
Inborn genetic diseases. Identifiers: MedGen C0950123, MeSH D030342.
Charcot-Marie-Tooth disease type 4. Also called: Charcot-Marie-Tooth disease, type IV; Charcot-Marie-Tooth, Type 4. Identifiers: Orphanet 64749, MedGen C4082197, MONDO:0018995.

Allele frequency attached by ClinVar (database versions not stated): gnomAD exomes 0.00003 and 0.00006; gnomAD 0.00005; ExAC 0.00006; 1000 Genomes Project 30x 0.00016; 1000 Genomes Project 0.00020; TOPMed 0.00002.
gnomAD v4.1: 59 of 1,558,032 alleles (0.0038%); highest among the groups gnomAD compares: Middle Eastern, 0.1%; 1 homozygote.

Submissions (3):

PreventionGenetics, part of Exact Sciences
Classification: Likely benign for MTMR2-related condition. Last evaluated: 2026-02-17. Review status: criteria provided, single submitter. Criteria: ACMG Guidelines, 2015. Collection method: clinical testing. Allele origin: germline.
Comment: This variant is classified as likely benign based on ACMG/AMP sequence variant interpretation guidelines (Richards et al. 2015 PMID: 25741868, with internal and published modifications).

Labcorp Genetics (formerly Invitae), Labcorp
Classification: Likely benign for Charcot-Marie-Tooth disease type 4. Last evaluated: 2025-05-19. Review status: criteria provided, single submitter. Criteria: Invitae Variant Classification Sherloc (09022015). Collection method: clinical testing. Allele origin: germline.

Ambry Genetics
Classification: Likely benign for Inborn genetic diseases. Last evaluated: 2019-07-11. Review status: criteria provided, single submitter. Criteria: Ambry Variant Classification Scheme 2023. Collection method: clinical testing. Allele origin: germline.